The following is an entry in ClinVar:

ClinVar aggregate classification (germline): Uncertain significance. Review status: criteria provided, multiple submitters, no conflicts (2 of 4 stars). 2 submissions from 2 submitters: Uncertain significance (2). Last evaluated 2026-01-21.

Conditions:
Inborn genetic diseases. Identifiers: MedGen C0950123, MeSH D030342.

Submissions (2):

Labcorp Genetics (formerly Invitae), Labcorp
Classification: Uncertain significance. Last evaluated: 2026-01-21. Review status: criteria provided, single submitter. Criteria: Invitae Variant Classification Sherloc (09022015). Collection method: clinical testing. Allele origin: germline.
Comment: This sequence change replaces histidine, which is basic and polar, with glutamine, which is neutral and polar, at codon 246 of the SAMD9L protein (p.His246Gln). This variant is present in population databases (no rsID available, gnomAD 0.007%). This variant has not been reported in the literature in individuals affected with SAMD9L-related conditions. ClinVar contains an entry for this variant (Variation ID: 3437194). An algorithm developed to predict the effect of missense changes on protein structure and function outputs the following: PolyPhen-2: "Possibly Damaging". The glutamine amino acid residue is found in multiple mammalian species, which suggests that this missense change does not adversely affect protein function. In summary, the available evidence is currently insufficient to determine the role of this variant in disease. Therefore, it has been classified as a Variant of Uncertain Significance.

Ambry Genetics
Classification: Uncertain significance for Inborn genetic diseases. Last evaluated: 2024-11-28. Review status: criteria provided, single submitter. Criteria: Ambry Variant Classification Scheme 2023. Collection method: clinical testing. Allele origin: germline.
Comment: The p.H246Q variant (also known as c.738T>G), located in coding exon 1 of the SAMD9L gene, results from a T to G substitution at nucleotide position 738. The histidine at codon 246 is replaced by glutamine, an amino acid with highly similar properties. This amino acid position is conserved. In addition, this alteration is predicted to be tolerated by in silico analysis. Based on the available evidence, the clinical significance of this variant remains unclear.

NM_152703.5(SAMD9L):c.738T>G (p.His246Gln)

Gene: SAMD9L (sterile alpha motif domain containing 9 like; minus strand). Cytogenetic location: 7q21.2.
Variant type: single nucleotide variant.
Coding change: c.738T>G on transcript NM_152703.5 (MANE Select); coding-DNA position 738, T replaced by G.
Protein change: p.His246Gln; replaces histidine 246 with glutamine.
Molecular consequence: missense variant.
Genome position (GRCh38, 1-based): chr7:93,135,234, A>C on the plus strand (T>G on the coding strand, the complement: SAMD9L is on the minus strand). VCF-style: chr7-93135234-A-C. GRCh37 (hg19) VCF-style: chr7-92764547-A-C.
Other names: c.738T>G, p.His246Gln (NM_001303496.3, NM_001303497.3, NM_001303498.3 and 5 more transcripts); short protein forms H246Q.
Identifiers: ClinVar variation 3437194 (VCV003437194.2).